The following is an entry in ClinVar:

ClinVar aggregate classification (germline): Likely benign (1 of 4 stars; one submission).

Allele frequency attached by ClinVar (database versions not stated): gnomAD exomes below 0.00001; gnomAD 0.00001; TOPMed 0.00001.
gnomAD v4.1: 4 of 1,612,992 alleles (0.00025%); highest among the groups gnomAD compares: Non-Finnish European, 0.00034%; no homozygotes.

Submission:

CeGaT Center for Human Genetics Tuebingen
Classification: Likely benign. Last evaluated: 2022-07-01. Review status: criteria provided, single submitter. Criteria: CeGaT Center For Human Genetics Tuebingen Variant Classification Criteria Version 2. Collection method: clinical testing. Allele origin: germline. Affected: yes. Observed: 1 variant allele.
Comment: FLII: BP4, BP7

NM_002018.4(FLII):c.1101C>G (p.Val367=)

Gene: FLII (FLII actin remodeling protein; minus strand). Cytogenetic location: 17p11.2.
Variant type: single nucleotide variant.
Coding change: c.1101C>G on transcript NM_002018.4 (MANE Select); coding-DNA position 1101, C replaced by G.
Protein change: p.Val367=; no amino-acid change (valine 367 retained).
Molecular consequence: synonymous variant.
Genome position (GRCh38, 1-based): chr17:18,252,144, G>C on the plus strand (C>G on the coding strand, the complement: FLII is on the minus strand). VCF-style: chr17-18252144-G-C. GRCh37 (hg19) VCF-style: chr17-18155458-G-C.
Other names: c.1068C>G, p.Val356= (NM_001256264.2); c.939C>G, p.Val313= (NM_001256265.2).
Identifiers: ClinVar variation 2647548 (VCV002647548.24), dbSNP rs1230819826, ClinGen allele CA498204375.